The following is an entry in ClinVar:

ClinVar aggregate classification (germline): Uncertain significance (1 of 4 stars; one submission).

Conditions:
Dyskeratosis congenita, autosomal dominant 6 (DKCA6). Identifiers: Orphanet 3322, MedGen C4225284, MONDO:0014690, OMIM 616553.

Submission:

Labcorp Genetics (formerly Invitae), Labcorp
Classification: Uncertain significance for Dyskeratosis congenita, autosomal dominant 6. Last evaluated: 2020-04-06. Review status: criteria provided, single submitter. Criteria: Invitae Variant Classification Sherloc (09022015). Collection method: clinical testing. Allele origin: germline.
Comment: This sequence change creates a premature translational stop signal (p.Asn74Lysfs*19) in the ACD gene. It is expected to result in an absent or disrupted protein product. In summary, the available evidence is currently insufficient to determine the role of this variant in disease. Therefore, it has been classified as a Variant of Uncertain Significance. The current clinical and genetic evidence is not sufficient to establish whether loss-of-function variants in ACD cause disease. This variant has not been reported in the literature in individuals with ACD-related conditions. The frequency data for this variant in the population databases is considered unreliable, as metrics indicate poor data quality at this position in the ExAC database.

NC_000016.10:g.67660263_67660288dup

Gene: ACD (ACD shelterin complex subunit and telomerase recruitment factor; minus strand). Cytogenetic location: 16q22.1.
Variant type: Duplication.
Genome position: GRCh38 VCF-style: chr16-67660257-G-GTTTCCCGCGGGCGCCCAGGCCCCGCC. GRCh37 (hg19) VCF-style: chr16-67694160-G-GTTTCCCGCGGGCGCCCAGGCCCCGCC.
Identifiers: ClinVar variation 1063400 (VCV001063400.7), dbSNP rs1339425052, ClinGen allele CA8114868.